The following is an entry in ClinVar:

NM_002016.2(FLG):c.7031C>G (p.Ser2344Ter)

Genes: CCDST (cervical cancer associated DHX9 suppressive transcript; plus strand), FLG (filaggrin; minus strand). Cytogenetic location: 1q21.3.
Variant type: single nucleotide variant.
Coding change: c.7031C>G on transcript NM_002016.2 (MANE Select); coding-DNA position 7031, C replaced by G.
Protein change: p.Ser2344Ter; replaces serine 2344 with a stop codon.
Molecular consequence: nonsense.
Genome position (GRCh38, 1-based): chr1:152,307,855, G>C on the plus strand (C>G on the coding strand, the complement: FLG is on the minus strand). VCF-style: chr1-152307855-G-C. GRCh37 (hg19) VCF-style: chr1-152280331-G-C.
Other names: p.Ser2344*; short protein forms S2344*.
Identifiers: ClinVar variation 522001 (VCV000522001.23), dbSNP rs372754256, ClinGen allele CA1104924.

ClinVar aggregate classification (germline): Pathogenic/Likely pathogenic. Review status: criteria provided, multiple submitters, no conflicts (2 of 4 stars). 11 submissions from 11 submitters: Pathogenic (4); Likely pathogenic (7). Last evaluated 2025-11-12.

Conditions:
FLG-related disorder. Also called: FLG-related disorders; FLG-related condition.
Dermatitis, atopic, 2. Identifiers: MedGen C1853965, MONDO:0011596, OMIM 605803.
Inborn genetic diseases. Identifiers: MedGen C0950123, MeSH D030342.
Ichthyosis vulgaris. Also called: Dominant ichthyosis vulgaris; ICHTHYOSIS SIMPLEX. Identifiers: MedGen C0079584, MONDO:0024304, OMIM 146700.

Allele frequency attached by ClinVar (database versions not stated): gnomAD 0.00004 and 0.00015; ESP Exome Variant Server 0.00008; gnomAD exomes 0.00047; ExAC 0.00073; 1000 Genomes Project 0.00120; 1000 Genomes Project 30x 0.00125.
gnomAD v4.1: 417 of 1,613,232 alleles (0.026%); highest among the groups gnomAD compares: South Asian, 0.42%; no homozygotes.

Submissions (11):

GeneDx
Classification: Pathogenic. Last evaluated: 2025-11-12. Review status: criteria provided, single submitter. Criteria: GeneDx Variant Classification Process June 2021. Collection method: clinical testing. Allele origin: germline. Affected: yes.
Comment: Identified in individuals with atopic dermatitis; several of these individuals also had other variants in the FLG gene (PMID: 37067103, 29056476); Nonsense variant predicted to result in protein truncation, as the last 1718 amino acids are lost, and other loss-of-function variants have been reported downstream in HGMD; This variant is associated with the following publications: (PMID: 37200867, 37067103, 29056476, 40125057)

Foundation for Research in Genetics and Endocrinology, FRIGE's Institute of Human Genetics
Classification: Pathogenic for Ichthyosis vulgaris. Last evaluated: 2025-07-02. Review status: criteria provided, single submitter. Criteria: ACMG Guidelines, 2015. Collection method: clinical testing. Allele origin: germline. Inheritance: Autosomal dominant inheritance. Affected: yes. Observed: 1 heterozygote.
Comment: The heterozygous nonsense variant c.7031C>G; p.Ser2344*, has been detected in the FLG gene and it leads to protein truncation at codon 2344. This variant has been reported in population frequency databases such as gnomAD (MAF-0.0259%) and in ExAC (MAF-0.0729%). In summary, the variant meets our criteria to be classified as pathogenic.

Blueprint Genetics
Classification: Likely pathogenic for FLG-related disorders. Last evaluated: 2024-11-04. Review status: criteria provided, single submitter. Criteria: ACMG Guidelines, 2015. Collection method: clinical testing. Allele origin: germline. Affected: yes. Observed: 5 variant alleles.

Department of Pathology and Laboratory Medicine, Sinai Health System
Classification: Likely pathogenic for Ichthyosis vulgaris. Last evaluated: 2023-08-29. Review status: criteria provided, single submitter. Criteria: ACMG Guidelines, 2015. Collection method: research. Allele origin: germline.

Revvity Omics, Revvity
Classification: Likely pathogenic for Ichthyosis vulgaris. Last evaluated: 2023-06-16. Review status: criteria provided, single submitter. Criteria: ACMG Guidelines, 2015. Collection method: clinical testing. Allele origin: germline.

Genome-Nilou Lab
Classification: Likely pathogenic for Ichthyosis vulgaris. Last evaluated: 2023-04-11. Review status: criteria provided, single submitter. Criteria: ACMG Guidelines, 2015. Collection method: clinical testing. Allele origin: germline. Affected: no.

Pittsburgh Clinical Genomics Laboratory, University of Pittsburgh Medical Center
Classification: Likely pathogenic for Dermatitis, atopic, 2. Last evaluated: 2022-07-12. Review status: criteria provided, single submitter. Criteria: ACMG Guidelines, 2015. Collection method: clinical testing. Allele origin: germline. Inheritance: Autosomal dominant inheritance. Affected: yes.
Comment: This sequence variant is a single nucleotide substitution (C>G) at coding position 7031 of the FLG gene that generates a premature stop codon at serine 2344 of the FLG protein. This variant is predicted to generate a non-functiol allele through either the expression of a truncated protein or by nonsense mediated decay. This variant was observed by NGS and confirmed with Sanger sequencing. However, due to the presence of several large homologous repeats within FLG, the termition codon may not reside in the exact location listed above. This is a previously reported variant (ClinVar) that has been observed in the literature in individuals with atopic dermatitis (PMID: 29056476). This variant is present in control population datasets (gnomAD database 117 of 250512 alleles or 0.047%). Because haploinsufficiency is a known mechanism of disease for FLG, we consider this variant to be likely pathogenic. ACMG Criteria: PP3, PVS1

3billion
Classification: Likely pathogenic for Ichthyosis vulgaris. Last evaluated: 2022-05-22. Review status: criteria provided, single submitter. Criteria: ACMG Guidelines, 2015. Collection method: clinical testing. Allele origin: germline. Affected: yes. Observed: 1 heterozygote.
Comment: The variant is observed at an extremely low frequency in the gnomAD v2.1.1 dataset (total allele frequency: 0.047%). Stop-gained (nonsense): predicted to result in a loss or disruption of normal protein function through protein truncation. The predicted truncated protein may be shortened by more than 10%. The variant has been reported at least twice as pathogenic without evidence for the classification (ClinVar ID: VCV000522001 / PMID: 29056476). Therefore, this variant is classified as likely pathogenic according to the recommendation of ACMG/AMP guideline.

Mendelics
Classification: Pathogenic for Ichthyosis vulgaris. Last evaluated: 2022-05-04. Review status: criteria provided, single submitter. Criteria: Mendelics Assertion Criteria 2019. Collection method: clinical testing. Allele origin: germline.

Ambry Genetics
Classification: Pathogenic for Inborn genetic diseases. Last evaluated: 2017-11-08. Review status: criteria provided, single submitter. Criteria: Ambry exome assertion method (8-5-2015). Collection method: clinical testing. Allele origin: germline. Affected: yes. Observed: 1 variant allele.

Neuberg Centre For Genomic Medicine, NCGM
Classification: Likely pathogenic for Ichthyosis vulgaris. Review status: criteria provided, single submitter. Criteria: ACMG Guidelines, 2015. Collection method: clinical testing. Allele origin: germline. Inheritance: Autosomal recessive inheritance. Affected: yes.
Comment: The stop gained variant c.7031C>G (p.Ser2344Ter) in the FLG gene has been reported in an individual affected with Ichthyosis vulgaris (Wong et al., 2018). The variant has 0.04% allele frequency in gnomAD Exomes. This variant has been reported to the ClinVar database as Pathogenic/ Likely pathogenic. However, study on multiple affected individuals and functional studies on the pathogenicity of the variant is unavailable. This variant is predicted to cause loss of normal protein function through protein truncation. Loss of function variants have been previously reported to be disease-causing (Smith et al., 2006). For these reasons, this variant has been classified as Likely Pathogenic.

Literature cited by the submitters: PubMed 29056476 (cited by Pittsburgh Clinical Genomics Laboratory, University of Pittsburgh Medical Center and 3billion).